The following is an entry in ClinVar:

ClinVar aggregate classification (germline): Likely pathogenic. Review status: criteria provided, multiple submitters, no conflicts (2 of 4 stars). 3 submissions from 3 submitters: Likely pathogenic (3). Last evaluated 2026-06-16.

Conditions:
Von Hippel-Lindau syndrome (VHLS). Also called: Von Hippel-Lindau; von Hippel–Lindau syndrome; VHL syndrome. Identifiers: Orphanet 892, MedGen C0019562, MONDO:0008667, OMIM 193300. Disease mechanism: loss of function.
Hereditary cancer-predisposing syndrome. Also called: Hereditary Cancer Syndrome; Hereditary neoplastic syndrome; Neoplastic Syndromes, Hereditary; Tumor predisposition. Identifiers: Orphanet 140162, MedGen C0027672, MeSH D009386, MONDO:0015356.
Chuvash polycythemia. Also called: POLYCYTHEMIA, VHL-DEPENDENT. Identifiers: Orphanet 238557, MedGen C1837915, MONDO:0009892, OMIM 263400.

Submissions (3):

Ambry Genetics
Classification: Likely pathogenic for Hereditary cancer-predisposing syndrome. Last evaluated: 2026-06-16. Review status: criteria provided, single submitter. Criteria: Ambry Variant Classification Scheme 2023. Collection method: clinical testing. Allele origin: germline.
Comment: The p.L63R variant (also known as c.188T>G), located in coding exon 1 of the VHL gene, results from a T to G substitution at nucleotide position 188. The leucine at codon 63 is replaced by arginine, an amino acid with dissimilar properties. This variant was reported in individual(s) with features consistent with von Hippel-Lindau syndrome (VHL) (Krauss T et al. Endocr Relat Cancer, 2018 Sep;25:783-793; Ambry internal data). This amino acid position is highly conserved in available vertebrate species. In addition, this alteration is predicted to be deleterious by in silico analysis. This variant is considered to be rare based on population cohorts in the Genome Aggregation Database (gnomAD). Based on the majority of available evidence to date, this variant is likely to be pathogenic.

Institute of Human Genetics, FAU Erlangen, Friedrich-Alexander-Universität Erlangen-Nürnberg
Classification: Likely pathogenic for Von Hippel-Lindau syndrome. Last evaluated: 2026-02-03. Review status: criteria provided, single submitter. Criteria: Hauer et al. (Genet Med. 2018). Collection method: clinical testing. Allele origin: germline. Inheritance: Unknown mechanism. Affected: yes. Observed: 1 variant allele.
Comment: This variant has been identified by standard clinical testing. Selected ACMG criteria: Likely pathogenic (V):PP5;PP3;PM2;PM1

Labcorp Genetics (formerly Invitae), Labcorp
Classification: Likely pathogenic for Von Hippel-Lindau syndrome; Chuvash polycythemia. Last evaluated: 2025-05-06. Review status: criteria provided, single submitter. Criteria: Invitae Variant Classification Sherloc (09022015). Collection method: clinical testing. Allele origin: germline.
Comment: This sequence change replaces leucine, which is neutral and non-polar, with arginine, which is basic and polar, at codon 63 of the VHL protein (p.Leu63Arg). This variant is not present in population databases (gnomAD no frequency). This variant has not been reported in the literature in individuals affected with VHL-related conditions. ClinVar contains an entry for this variant (Variation ID: 2561023). Invitae Evidence Modeling of protein sequence and biophysical properties (such as structural, functional, and spatial information, amino acid conservation, physicochemical variation, residue mobility, and thermodynamic stability) indicates that this missense variant is expected to disrupt VHL protein function with a positive predictive value of 95%. This variant disrupts the p.Leu63 amino acid residue in VHL. Other variant(s) that disrupt this residue have been determined to be pathogenic (PMID: 19258401; internal data). This suggests that this residue is clinically significant, and that variants that disrupt this residue are likely to be disease-causing. In summary, the currently available evidence indicates that the variant is pathogenic, but additional data are needed to prove that conclusively. Therefore, this variant has been classified as Likely Pathogenic.

Literature cited by the submitters: PubMed 29748190 (cited by Ambry Genetics); PubMed 19258401 (cited by Labcorp Genetics (formerly Invitae), Labcorp).

NM_000551.4(VHL):c.188T>G (p.Leu63Arg)

Gene: VHL (von Hippel-Lindau tumor suppressor; plus strand). Cytogenetic location: 3p25.3.
Variant type: single nucleotide variant.
Coding change: c.188T>G on transcript NM_000551.4 (MANE Select); coding-DNA position 188, T replaced by G.
Protein change: p.Leu63Arg; replaces leucine 63 with arginine.
Molecular consequence: missense variant. On other transcripts: non-coding transcript variant (1).
Genome position (GRCh38, 1-based): chr3:10,142,035, T>G. VCF-style: chr3-10142035-T-G. GRCh37 (hg19) VCF-style: chr3-10183719-T-G.
Other names: c.188T>G, p.Leu63Arg (NM_001354723.2, NM_198156.3); short protein forms L63R.
Identifiers: ClinVar variation 2561023 (VCV002561023.6), dbSNP rs104893827, ClinGen allele CA351748749.
Genomic context (GRCh38, chr3:10,142,035, plus strand): 5'-CCGGCCCGGAGGAACTGGGCGCCGAGGAGGAGATGGAGGCCGGGCGGCCGCGGCCCGTGC[T>G]GCGCTCGGTGAACTCGCGCGAGCCCTCCCAGGTCATCTTCTGCAATCGCAGTCCGCGCGT-3'
Protein context (NP_000542.1, residues 53-73): EMEAGRPRPV[Leu63Arg]RSVNSREPSQ